The following is an entry in ClinVar:

NM_006767.4(LZTR1):c.510-60_530dup

Gene: LZTR1 (leucine zipper like transcription regulator 1; plus strand). Cytogenetic location: 22q11.21.
Variant type: Duplication.
Coding change: c.510-60_530dup on transcript NM_006767.4 (MANE Select); 60 bases into the intron before coding-DNA position 510 through coding-DNA position 530, 81 bases duplicated.
Molecular consequence: splice acceptor variant.
Genome position (GRCh38, 1-based): chr22:20,988,729-20,988,809, 81 bases duplicated. GRCh37 (hg19): chr22:21,343,018-21,343,098.
Identifiers: ClinVar variation 928716 (VCV000928716.1), dbSNP rs1924491968, ClinGen allele CA1139666970.

ClinVar aggregate classification (germline): Uncertain significance (1 of 4 stars; one submission).

Submission:

Women's Health and Genetics/Laboratory Corporation of America, LabCorp
Classification: Uncertain significance. Last evaluated: 2019-10-22. Review status: criteria provided, single submitter. Criteria: LabCorp Variant Classification Summary - May 2015. Collection method: clinical testing. Allele origin: germline.
Comment: Variant summary: LZTR1 c.510-60_530dup81 is located around a canonical splice-site and is predicted to affect mRNA splicing resulting in a significantly altered protein due to either exon skipping, shortening, or inclusion of intronic material. 4/5 computational tools predict no significant impact on normal splicing. However, these predictions have yet to be confirmed by functional studies. The duplication is predicted to be in-frame (p.(Ala177_His178ins27), Alamut). The variant was absent in approximately 21,000 control chromosomes in the gnomAD SV database. The available data on variant occurrences in the general population are insufficient to allow any conclusion about variant significance. To our knowledge, no occurrence of c.510-60_530dup81 in individuals affected with Noonan Syndrome and Related Conditions and no experimental evidence demonstrating its impact on protein function have been reported. No clinical diagnostic laboratories have submitted clinical-significance assessments for this variant to ClinVar after 2014. Based on the evidence outlined above, the variant was classified as uncertain significance.